The following is an entry in ClinVar:

ClinVar aggregate classification (germline): Benign (1 of 4 stars; one submission).

Conditions:
Seizures, benign familial neonatal, 2. Also called: CONVULSIONS, BENIGN FAMILIAL NEONATAL, 2; KCNQ3-Related Self-Limited Familial Neonatal Epilepsy (SLFNE); Benign Neonatal Epilepsy 2; KCNQ3-Related Benign Familial Neonatal Epilepsy; Seizures, benign neonatal, 2. Identifiers: Orphanet 1949, MedGen C1852581, MONDO:0007366, OMIM 121201.

Allele frequency attached by ClinVar (database versions not stated): 1000 Genomes Project 0.00519; TOPMed 0.00713; 1000 Genomes Project 30x 0.00500; gnomAD 0.00623.

Submission:

Illumina Laboratory Services, Illumina
Classification: Benign for Seizures, benign familial neonatal, 2. Last evaluated: 2018-01-13. Review status: criteria provided, single submitter. Criteria: ICSL Variant Classification Criteria 13 December 2019. Collection method: clinical testing. Allele origin: germline.
Comment: This variant was observed in the ICSL laboratory as part of a predisposition screen in an ostensibly healthy population. It had not been previously curated by ICSL or reported in the Human Gene Mutation Database (HGMD: prior to June 1st, 2018), and was therefore a candidate for classification through an automated scoring system. Utilizing variant allele frequency, disease prevalence and penetrance estimates, and inheritance mode, an automated score was calculated to assess if this variant is too frequent to cause the disease. Based on the score and internal cut-off values, a variant classified as benign is not then subjected to further curation. The score for this variant resulted in a classification of benign for this disease.

NM_004519.4(KCNQ3):c.*4736G>A

Gene: KCNQ3 (potassium voltage-gated channel subfamily Q member 3; minus strand). Cytogenetic location: 8q24.22.
Variant type: single nucleotide variant.
Coding change: c.*4736G>A on transcript NM_004519.4 (MANE Select); 4736 bases downstream of the stop codon, G replaced by A.
Molecular consequence: 3 prime UTR variant.
Genome position (GRCh38, 1-based): chr8:132,124,526, C>T on the plus strand (G>A on the coding strand, the complement: KCNQ3 is on the minus strand). VCF-style: chr8-132124526-C-T. GRCh37 (hg19) VCF-style: chr8-133136773-C-T.
Other names: c.*4736G>A (NM_001204824.2).
Identifiers: ClinVar variation 361803 (VCV000361803.6), dbSNP rs114070302, ClinGen allele CA10630163.